The following is an entry in ClinVar:

ClinVar aggregate classification (germline): Conflicting classifications of pathogenicity. Review status: criteria provided, conflicting classifications (1 of 4 stars). 7 submissions from 7 submitters: Uncertain significance (4); Likely benign (2). 1 of the submissions does not count toward it. Last evaluated 2025-08-20.

Conditions:
Hereditary breast ovarian cancer syndrome. Also called: Hereditary breast and ovarian cancer syndrome; Hereditary breast and ovarian cancer; Hereditary breast and ovarian cancer syndrome (HBOC); Breast and ovarian cancer; Hereditary breast and/or ovarian cancer syndrome; BRCA1- and BRCA2-Associated Hereditary Breast and Ovarian Cancer. Identifiers: Orphanet 145, MedGen C0677776, MeSH D061325, MONDO:0003582. Disease mechanism: loss of function.
Breast-ovarian cancer, familial, susceptibility to, 2 (BROVCA2). Also called: BRCA2 Hereditary Breast and Ovarian Cancer. Identifiers: Orphanet 145, MedGen C2675520, MONDO:0012933, OMIM 612555. Disease mechanism: loss of function.
Hereditary cancer-predisposing syndrome. Also called: Neoplastic Syndromes, Hereditary; Tumor predisposition; Hereditary neoplastic syndrome; Hereditary Cancer Syndrome. Identifiers: Orphanet 140162, MedGen C0027672, MeSH D009386, MONDO:0015356.
Familial cancer of breast. Also called: BREAST CANCER, FAMILIAL; Hereditary breast cancer; hereditary breast carcinoma. Identifiers: Orphanet 227535, MedGen C0346153, MONDO:0016419, OMIM 114480. Disease mechanism: loss of function.

Submissions (7):

Labcorp Genetics (formerly Invitae), Labcorp
Classification: Uncertain significance for Hereditary breast ovarian cancer syndrome. Last evaluated: 2025-08-20. Review status: criteria provided, single submitter. Criteria: Invitae Variant Classification Sherloc (09022015). Collection method: clinical testing. Allele origin: germline.
Comment: This variant, c.4798_4800del, results in the deletion of 1 amino acid(s) of the BRCA2 protein (p.Asn1600del), but otherwise preserves the integrity of the reading frame. This variant is not present in population databases (gnomAD no frequency). This variant has been observed in individual(s) with breast cancer and/or esophageal cancer (PMID: 14647438, 35039564). This variant is also known as N1600del. ClinVar contains an entry for this variant (Variation ID: 51716). Experimental studies and prediction algorithms are not available or were not evaluated, and the functional significance of this variant is currently unknown. In summary, the available evidence is currently insufficient to determine the role of this variant in disease. Therefore, it has been classified as a Variant of Uncertain Significance.

Baylor Genetics
Classification: Uncertain significance for Familial cancer of breast. Last evaluated: 2023-10-22. Review status: criteria provided, single submitter. Criteria: ACMG Guidelines, 2015. Collection method: clinical testing. Allele origin: unknown.

Quest Diagnostics Nichols Institute San Juan Capistrano
Classification: Uncertain significance. Last evaluated: 2023-09-14. Review status: criteria provided, single submitter. Criteria: Quest Diagnostics criteria. Collection method: clinical testing. Allele origin: unknown.
Comment: In the published literature, this variant has been reported in an affected individual with breast cancer (PMID: 26577449 (2015)), as well as in an individual with esophageal cancer (PMID: 14647438 (2004)). This variant has not been reported in large, multi-ethnic general populations (Genome Aggregation Database). Based on the available information, we are unable to determine the clinical significance of this variant.

National Health Laboratory Service, Universitas Academic Hospital and University of the Free State
Classification: Likely benign for Hereditary breast ovarian cancer syndrome. Last evaluated: 2022-04-19. Review status: criteria provided, single submitter. Criteria: ACMG Guidelines, 2015. Collection method: clinical testing. Allele origin: germline. Affected: yes. Observed: 15 variant alleles.

Ambry Genetics
Classification: Uncertain significance for Hereditary cancer-predisposing syndrome. Last evaluated: 2018-02-20. Review status: criteria provided, single submitter. Criteria: Ambry Variant Classification Scheme 2023. Collection method: clinical testing. Allele origin: germline.
Comment: The c.4798_4800delAAT variant (also known as p.N1600del) is located in coding exon 10 of the BRCA2 gene. This variant results from an in-frame AAT deletion at nucleotide positions 4798 to 4800. This results in the in-frame deletion of an asparagine at codon 1600. This alteration has been reported in a South African breast cancer cohort and also in a proband with a personal and family history of esophageal cancer (Hu N et al. Oncogene, 2004 Jan;23:852-8; Francies FZ et al. BMC Cancer, 2015 Nov;15:912). This amino acid position is poorly conserved in available vertebrate species. Since supporting evidence is limited at this time, the clinical significance of this alteration remains unclear.

Color Diagnostics, LLC DBA Color Health
Classification: Likely benign for Hereditary cancer-predisposing syndrome. Last evaluated: 2017-05-16. Review status: criteria provided, single submitter. Criteria: ACMG Guidelines, 2015. Collection method: clinical testing. Allele origin: germline.

Breast Cancer Information Core (BIC) (BRCA2)
Classification: Uncertain significance for Breast-ovarian cancer, familial 2. Last evaluated: 2005-11-29. Review status: no assertion criteria provided. Collection method: clinical testing. Allele origin: germline. Affected: yes. Observed: 1 variant allele. Not counted in ClinVar's aggregate classification.

Literature cited by the submitters: PubMed 14647438 (cited by 3 submitters); PubMed 35039564 (cited by Labcorp Genetics (formerly Invitae), Labcorp); PubMed 26577449 (cited by Quest Diagnostics Nichols Institute San Juan Capistrano and Ambry Genetics); DOI 10.3389/fgene.2022.834265 (cited by National Health Laboratory Service, Universitas Academic Hospital and University of the Free State).

NM_000059.4(BRCA2):c.4795AAT[1] (p.Asn1600del)

Gene: BRCA2 (BRCA2 DNA repair associated; plus strand). Cytogenetic location: 13q13.1.
Variant type: Microsatellite.
Coding change: c.4795AAT[1] on transcript NM_000059.4 (MANE Select); one copy of the 3-base unit AAT starting at c.4795; the reference has two copies in a row; one copy, 3 bases deleted; also written c.4798_4800del.
Protein change: p.Asn1600del; deletes asparagine 1600.
Molecular consequence: inframe deletion.
Genome position (GRCh38, 1-based): chr13:32,339,153-32,339,155, AAT deleted; deleting any 3 consecutive bases within chr13:32,339,150-32,339,155 gives the same sequence; the position shown is the placement nearest the transcript's 3' end. VCF-style (leftmost placement, unchanged base first): chr13-32339149-CAAT-C. GRCh37 (hg19) VCF-style: chr13-32913286-CAAT-C.
Other names: 1600delAAT; NP_000050.3:p.Asn1600del; c.4798_4800delAAT (NM_000059.3); c.4798_4800del (NM_000059.4); short protein forms N1600del.
Identifiers: ClinVar variation 51716 (VCV000051716.34), dbSNP rs276174851, ClinGen allele CA020845.